The following is an entry in ClinVar:

ClinVar aggregate classification (germline): Benign. Review status: criteria provided, single submitter (1 of 4 stars). 2 submissions from 2 submitters: Benign (1). 1 of the submissions does not count toward it. Last evaluated 2026-01-25.

Conditions:
PCLO-related disorder. Also called: PCLO-related condition.

Allele frequency attached by ClinVar (database versions not stated): gnomAD 0.00002 and 0.00029; 1000 Genomes Project 30x 0.00125; 1000 Genomes Project 0.00160.
gnomAD v4.1: 726 of 1,613,976 alleles (0.045%); highest among the groups gnomAD compares: South Asian, 0.76%; 12 homozygotes.

Submissions (2):

Labcorp Genetics (formerly Invitae), Labcorp
Classification: Benign. Last evaluated: 2026-01-25. Review status: criteria provided, single submitter. Criteria: Invitae Variant Classification Sherloc (09022015). Collection method: clinical testing. Allele origin: germline.

PreventionGenetics, part of Exact Sciences
Classification: Likely benign for PCLO-related condition. Last evaluated: 2020-04-24. Review status: no assertion criteria provided. Collection method: clinical testing. Allele origin: germline. Not counted in ClinVar's aggregate classification.
Comment: This variant is classified as likely benign based on ACMG/AMP sequence variant interpretation guidelines (Richards et al. 2015 PMID: 25741868, with internal and published modifications).

NM_033026.6(PCLO):c.6487A>T (p.Ile2163Phe)

Gene: PCLO (piccolo presynaptic cytomatrix protein; minus strand). Cytogenetic location: 7q21.11.
Variant type: single nucleotide variant.
Coding change: c.6487A>T on transcript NM_033026.6 (MANE Select); coding-DNA position 6487, A replaced by T.
Protein change: p.Ile2163Phe; replaces isoleucine 2163 with phenylalanine.
Molecular consequence: missense variant.
Genome position (GRCh38, 1-based): chr7:82,954,466, T>A on the plus strand (A>T on the coding strand, the complement: PCLO is on the minus strand). VCF-style: chr7-82954466-T-A. GRCh37 (hg19) VCF-style: chr7-82583782-T-A.
Other names: c.6487A>T, p.Ile2163Phe (NM_014510.3); c.6487A>T (NM_033026.5); short protein forms I2163F.
Identifiers: ClinVar variation 1667554 (VCV001667554.10), dbSNP rs570812444, ClinGen allele CA4320459.